The following is an entry in ClinVar:

ClinVar aggregate classification (germline): Pathogenic (1 of 4 stars; one submission).

Conditions:
Aicardi-Goutieres syndrome 5. Identifiers: Orphanet 51, MedGen C2749659, MONDO:0013059, OMIM 612952.

Submission:

Labcorp Genetics (formerly Invitae), Labcorp
Classification: Pathogenic for Aicardi-Goutieres syndrome 5. Last evaluated: 2023-06-09. Review status: criteria provided, single submitter. Criteria: Invitae Variant Classification Sherloc (09022015). Collection method: clinical testing. Allele origin: unknown.
Comment: For these reasons, this variant has been classified as Pathogenic. This variant has not been reported in the literature in individuals affected with SAMHD1-related conditions. This variant is a gross deletion of the genomic region encompassing exon(s) 6-7 of the SAMHD1 gene. This deletion is out-of-frame, and is expected to create a premature termination codon and result in an absent or disrupted protein product. Loss-of-function variants in SAMHD1 are known to be pathogenic (PMID: 19525956, 22461318).

Literature cited by the submitters: PubMed 19525956; PubMed 22461318.

NC_000020.10:g.(?_35547747)_(35555675_?)del

Gene: SAMHD1 (SAM and HD domain containing deoxynucleoside triphosphate triphosphohydrolase 1; minus strand). Cytogenetic location: 20q11.23.
Variant type: Deletion.
Identifiers: ClinVar variation 3248288 (VCV003248288.1).